The following is an entry in ClinVar:

NM_017934.7(PHIP):c.4429G>A (p.Ala1477Thr)

Genes: IRAK1BP1 (interleukin 1 receptor associated kinase 1 binding protein 1; plus strand), PHIP (PHIP subunit of CUL4-Ring ligase complex; minus strand). Cytogenetic location: 6q14.1.
Variant type: single nucleotide variant.
Coding change: c.4429G>A on transcript NM_017934.7 (MANE Select); coding-DNA position 4429, G replaced by A.
Protein change: p.Ala1477Thr; replaces alanine 1477 with threonine.
Molecular consequence: missense variant.
Genome position (GRCh38, 1-based): chr6:78,946,202, C>T on the plus strand (G>A on the coding strand, the complement: PHIP is on the minus strand). VCF-style: chr6-78946202-C-T. GRCh37 (hg19) VCF-style: chr6-79655919-C-T.
Other names: short protein forms A1477T.
Identifiers: ClinVar variation 3720129 (VCV003720129.2).

ClinVar aggregate classification (germline): Uncertain significance (1 of 4 stars; one submission).

Submission:

Labcorp Genetics (formerly Invitae), Labcorp
Classification: Uncertain significance. Last evaluated: 2025-02-02. Review status: criteria provided, single submitter. Criteria: Invitae Variant Classification Sherloc (09022015). Collection method: clinical testing. Allele origin: germline.
Comment: This sequence change replaces alanine, which is neutral and non-polar, with threonine, which is neutral and polar, at codon 1477 of the PHIP protein (p.Ala1477Thr). This variant is not present in population databases (gnomAD no frequency). This variant has not been reported in the literature in individuals affected with PHIP-related conditions. Invitae Evidence Modeling of protein sequence and biophysical properties (such as structural, functional, and spatial information, amino acid conservation, physicochemical variation, residue mobility, and thermodynamic stability) indicates that this missense variant is not expected to disrupt PHIP protein function with a negative predictive value of 95%. In summary, the available evidence is currently insufficient to determine the role of this variant in disease. Therefore, it has been classified as a Variant of Uncertain Significance.